The following is an entry in ClinVar:

NM_001363711.2(DUOX2):c.1445T>G (p.Leu482Arg)

Gene: DUOX2 (dual oxidase 2; minus strand). Cytogenetic location: 15q21.1.
Variant type: single nucleotide variant.
Coding change: c.1445T>G on transcript NM_001363711.2 (MANE Select); coding-DNA position 1445, T replaced by G.
Protein change: p.Leu482Arg; replaces leucine 482 with arginine.
Molecular consequence: missense variant.
Genome position (GRCh38, 1-based): chr15:45,108,176, A>C on the plus strand (T>G on the coding strand, the complement: DUOX2 is on the minus strand). VCF-style: chr15-45108176-A-C. GRCh37 (hg19) VCF-style: chr15-45400374-A-C.
Other names: c.1445T>G, p.Leu482Arg (NM_014080.5); short protein forms L482R.
Identifiers: ClinVar variation 1485201 (VCV001485201.8), dbSNP rs751301016, ClinGen allele CA7538608.

ClinVar aggregate classification (germline): Uncertain significance (1 of 4 stars; one submission).

Allele frequency attached by ClinVar (database versions not stated): gnomAD 0.00001; gnomAD exomes 0.00001 and 0.00002; ExAC 0.00002; TOPMed 0.00002.
gnomAD v4.1: 7 of 1,614,082 alleles (0.00043%); highest among the groups gnomAD compares: Admixed American, 0.01%; no homozygotes.

Submission:

Labcorp Genetics (formerly Invitae), Labcorp
Classification: Uncertain significance. Last evaluated: 2022-09-01. Review status: criteria provided, single submitter. Criteria: Invitae Variant Classification Sherloc (09022015). Collection method: clinical testing. Allele origin: germline.
Comment: In summary, the available evidence is currently insufficient to determine the role of this variant in disease. Therefore, it has been classified as a Variant of Uncertain Significance. Advanced modeling of protein sequence and biophysical properties (such as structural, functional, and spatial information, amino acid conservation, physicochemical variation, residue mobility, and thermodynamic stability) performed at Invitae indicates that this missense variant is expected to disrupt DUOX2 protein function. ClinVar contains an entry for this variant (Variation ID: 1485201). This variant has not been reported in the literature in individuals affected with DUOX2-related conditions. This variant is present in population databases (rs751301016, gnomAD 0.02%). This sequence change replaces leucine, which is neutral and non-polar, with arginine, which is basic and polar, at codon 482 of the DUOX2 protein (p.Leu482Arg).